The following is an entry in ClinVar:

ClinVar aggregate classification (germline): Pathogenic. Review status: no assertion criteria provided (0 of 4 stars). 2 submissions from 2 submitters: Pathogenic (2).

Conditions:
Alstrom syndrome (ALMS). Identifiers: Orphanet 64, MedGen C0268425, MONDO:0008763, OMIM 203800.

Submissions (2):

Genomic Medicine Center of Excellence, King Faisal Specialist Hospital and Research Centre
Classification: Pathogenic for Alstrom syndrome. Review status: no assertion criteria provided. Collection method: research. Allele origin: germline. Affected: yes.
Comment: It was observed with the other variant, NM_015120.4:c.10430delT. (c.10424delT) Review by NCBI staff determined that alignment issues between the genomic and mRNA reference sequences cause some resources to incorrectly produce c.3133C>T on NM_015120.4 as a result for NC_000002.11:g.73676790C>T.

Laboratory of Genetics in Ophthalmology, Institut Imagine
Classification: Pathogenic for Alstrom syndrome. Review status: no assertion criteria provided. Collection method: research. Allele origin: inherited. Affected: yes. Observed: 1 variant allele.

NM_001378454.1(ALMS1):c.3136C>T (p.Gln1046Ter)

Gene: ALMS1 (ALMS1 centrosome and basal body associated protein; plus strand). Cytogenetic location: 2p13.1.
Variant type: single nucleotide variant.
Coding change: c.3136C>T on transcript NM_001378454.1 (MANE Select); coding-DNA position 3136, C replaced by T.
Protein change: p.Gln1046Ter; replaces glutamine 1046 with a stop codon.
Molecular consequence: nonsense.
Genome position (GRCh38, 1-based): chr2:73,449,663, C>T. VCF-style: chr2-73449663-C-T. GRCh37 (hg19) VCF-style: chr2-73676790-C-T.
Other names: c.3139C>T, p.Gln1047Ter (NM_015120.4); short protein forms Q1046*, Q1047*.
Identifiers: ClinVar variation 917915 (VCV000917915.2), dbSNP rs1671885850, ClinGen allele CA347273936.